The following is an entry in ClinVar:

NM_005732.4(RAD50):c.3082A>G (p.Asn1028Asp)

Gene: RAD50 (RAD50 double strand break repair protein; plus strand). Cytogenetic location: 5q31.1.
Variant type: single nucleotide variant.
Coding change: c.3082A>G on transcript NM_005732.4 (MANE Select); coding-DNA position 3082, A replaced by G.
Protein change: p.Asn1028Asp; replaces asparagine 1028 with aspartic acid.
Molecular consequence: missense variant.
Genome position (GRCh38, 1-based): chr5:132,616,048, A>G. VCF-style: chr5-132616048-A-G. GRCh37 (hg19) VCF-style: chr5-131951740-A-G.
Other names: short protein forms N1028D.
Identifiers: ClinVar variation 1716674 (VCV001716674.6), dbSNP rs2479384346, ClinGen allele CA360963558.
Genomic context (GRCh38, chr5:132,616,048, plus strand): 5'-AATGTTTACCTTTAGATACAAGAAAGGTGGCTACAAGATAACCTTACTTTAAGAAAAAGA[A>G]ATGAGGAACTAAAAGAAGTTGAAGAAGAAAGAAAACAACATTTGAAGGAAATGGGTCAAA-3'
Protein context (NP_005723.2, residues 1018-1038): LQDNLTLRKR[Asn1028Asp]EELKEVEEER

ClinVar aggregate classification (germline): Uncertain significance (1 of 4 stars; one submission).

Conditions:
Hereditary cancer-predisposing syndrome. Also called: Hereditary neoplastic syndrome; Neoplastic Syndromes, Hereditary; Hereditary Cancer Syndrome; Tumor predisposition. Identifiers: Orphanet 140162, MedGen C0027672, MeSH D009386, MONDO:0015356.

Submission:

Labcorp Genetics (formerly Invitae), Labcorp
Classification: Uncertain significance for Hereditary cancer-predisposing syndrome. Last evaluated: 2022-08-18. Review status: criteria provided, single submitter. Criteria: Invitae Variant Classification Sherloc (09022015). Collection method: clinical testing. Allele origin: germline.
Comment: In summary, the available evidence is currently insufficient to determine the role of this variant in disease. Therefore, it has been classified as a Variant of Uncertain Significance. Algorithms developed to predict the effect of missense changes on protein structure and function (SIFT, PolyPhen-2, Align-GVGD) all suggest that this variant is likely to be tolerated. This variant has not been reported in the literature in individuals affected with RAD50-related conditions. This variant is not present in population databases (gnomAD no frequency). This sequence change replaces asparagine, which is neutral and polar, with aspartic acid, which is acidic and polar, at codon 1028 of the RAD50 protein (p.Asn1028Asp).